The following is an entry in ClinVar:

NM_001943.5(DSG2):c.3109A>G (p.Asn1037Asp)

Genes: DSG2 (desmoglein 2; plus strand), DSG2-AS1 (DSG2 antisense RNA 1; minus strand). Cytogenetic location: 18q12.1.
Variant type: single nucleotide variant.
Coding change: c.3109A>G on transcript NM_001943.5 (MANE Select); coding-DNA position 3109, A replaced by G.
Protein change: p.Asn1037Asp; replaces asparagine 1037 with aspartic acid.
Molecular consequence: missense variant.
Genome position (GRCh38, 1-based): chr18:31,546,495, A>G. VCF-style: chr18-31546495-A-G. GRCh37 (hg19) VCF-style: chr18-29126458-A-G.
Other names: short protein forms N1037D.
Identifiers: ClinVar variation 3072301 (VCV003072301.1), dbSNP rs763980519, ClinGen allele CA047912.

ClinVar aggregate classification (germline): Uncertain significance (1 of 4 stars; one submission).

Conditions:
Arrhythmogenic right ventricular cardiomyopathy (ARVD). Also called: Arrhythmogenic right ventricular dysplasia; Cardiomyopathy, ARVC; Arrhythmogenic cardiomyopathy; Arrhythmogenic Right Ventricular Cardiomyopathy (ARVC). Identifiers: Orphanet 247, MedGen C0349788, MeSH D019571, MONDO:0016587. Disease mechanism: loss of function. Inheritance: Various modes of inheritance.

Allele frequency attached by ClinVar (database versions not stated): gnomAD exomes 0.00001; ExAC 0.00002; gnomAD 0.00001.
gnomAD v4.1: 11 of 1,614,080 alleles (0.00068%); highest among the groups gnomAD compares: South Asian, 0.012%; no homozygotes.

Submission:

All of Us Research Program, National Institutes of Health
Classification: Uncertain significance for Arrhythmogenic right ventricular cardiomyopathy. Last evaluated: 2023-07-10. Review status: criteria provided, single submitter. Criteria: ACMG Guidelines, 2015. Collection method: clinical testing. Allele origin: germline. Inheritance: Autosomal dominant inheritance. Observed: 1 variant allele, 1 heterozygote.
Comment: This missense variant replaces asparagine with aspartic acid at codon 1037 of the DSG2 protein. Computational prediction suggests that this variant may not impact protein structure and function (internally defined REVEL score threshold <= 0.5, PMID: 27666373). To our knowledge, functional studies have not been reported for this variant. This variant has been reported in an individual affected with hypertrophic cardiomyopathy (PMID: 25351510). This variant has been identified in 5/249468 chromosomes in the general population by the Genome Aggregation Database (gnomAD). The available evidence is insufficient to determine the role of this variant in disease conclusively. Therefore, this variant is classified as a Variant of Uncertain Significance.

This study involves interpretation of variants in research participants for the purpose of population health screening. Participant phenotype was not available at the time of variant classification. Additional details can be found in publication PMID: 35346344, PMCID: PMC8962531

Literature cited by the submitters: PubMed 25351510.